The following is an entry in ClinVar:

NM_020762.4(SRGAP1):c.2367C>T (p.Asp789=)

Gene: SRGAP1 (SLIT-ROBO Rho GTPase activating protein 1; plus strand). Cytogenetic location: 12q14.2.
Variant type: single nucleotide variant.
Coding change: c.2367C>T on transcript NM_020762.4 (MANE Select); coding-DNA position 2367, C replaced by T.
Protein change: p.Asp789=; no amino-acid change (aspartic acid 789 retained).
Molecular consequence: synonymous variant.
Genome position (GRCh38, 1-based): chr12:64,126,119, C>T. VCF-style: chr12-64126119-C-T. GRCh37 (hg19) VCF-style: chr12-64519899-C-T.
Other names: c.2298C>T, p.Asp766= (NM_001346201.2).
Identifiers: ClinVar variation 3044353 (VCV003044353.2), dbSNP rs766056847, ClinGen allele CA6666984.

ClinVar aggregate classification (germline): Likely benign (0 of 4 stars; one submission).

Conditions:
SRGAP1-related disorder. Also called: SRGAP1-related condition.

Allele frequency attached by ClinVar (database versions not stated): gnomAD exomes 0.00002; TOPMed 0.00002; gnomAD 0.00003; ExAC 0.00005.
gnomAD v4.1: 35 of 1,614,038 alleles (0.0022%); highest among the groups gnomAD compares: Admixed American, 0.0067%; no homozygotes.

Submission:

PreventionGenetics, part of Exact Sciences
Classification: Likely benign for SRGAP1-related condition. Last evaluated: 2019-06-04. Review status: no assertion criteria provided. Collection method: clinical testing. Allele origin: germline.
Comment: This variant is classified as likely benign based on ACMG/AMP sequence variant interpretation guidelines (Richards et al. 2015 PMID: 25741868, with internal and published modifications).